The following is an entry in ClinVar:

ClinVar aggregate classification (germline): Pathogenic. Review status: criteria provided, multiple submitters, no conflicts (2 of 4 stars). 2 submissions from 2 submitters: Pathogenic (2). Last evaluated 2021-08-23.

Conditions:
Hereditary cancer-predisposing syndrome. Also called: Hereditary neoplastic syndrome; Hereditary Cancer Syndrome; Neoplastic Syndromes, Hereditary; Tumor predisposition. Identifiers: Orphanet 140162, MedGen C0027672, MeSH D009386, MONDO:0015356.
Familial adenomatous polyposis 2. Also called: MYH-associated polyposis; COLORECTAL ADENOMATOUS POLYPOSIS, AUTOSOMAL RECESSIVE; ADENOMAS, MULTIPLE COLORECTAL, AUTOSOMAL RECESSIVE; MUTYH-related attenuated familial adenomatous polyposis; Adenomas, multiple colorectal; FAP type 2. Identifiers: Orphanet 220460, Orphanet 247798, MedGen C3272841, MONDO:0012041, OMIM 608456.

Submissions (2):

Labcorp Genetics (formerly Invitae), Labcorp
Classification: Pathogenic for Familial adenomatous polyposis 2. Last evaluated: 2021-08-23. Review status: criteria provided, single submitter. Criteria: Invitae Variant Classification Sherloc (09022015). Collection method: clinical testing. Allele origin: germline.
Comment: ClinVar contains an entry for this variant (Variation ID: 485896). This sequence change creates a premature translational stop signal (p.Ala433Profs*19) in the MUTYH gene. It is expected to result in an absent or disrupted protein product. Loss-of-function variants in MUTYH are known to be pathogenic (PMID: 18534194, 20663686). This variant is not present in population databases (ExAC no frequency). This variant has not been reported in the literature in individuals affected with MUTYH-related conditions. For these reasons, this variant has been classified as Pathogenic.

Ambry Genetics
Classification: Pathogenic for Hereditary cancer-predisposing syndrome. Last evaluated: 2016-05-23. Review status: criteria provided, single submitter. Criteria: Ambry Variant Classification Scheme 2023. Collection method: clinical testing. Allele origin: germline.
Comment: The c.1297delG pathogenic mutation, located in coding exon 13 of the MUTYH gene, results from a deletion of one nucleotide at position 1297, causing a translational frameshift with a predicted alternate stop codon. Since frameshifts are typically deleterious in nature, this alteration is interpreted as a disease-causing mutation (ACMG Recommendations for Standards for Interpretation and Reporting of Sequence Variations. Revision 2007. Genet Med. 2008;10:294).

Literature cited by the submitters: PubMed 18534194 (cited by Labcorp Genetics (formerly Invitae), Labcorp); PubMed 20663686 (cited by Labcorp Genetics (formerly Invitae), Labcorp).

NM_001048174.2(MUTYH):c.1213del (p.Ala405fs)

Gene: MUTYH (mutY DNA glycosylase; minus strand). Cytogenetic location: 1p34.1.
Variant type: Deletion.
Coding change: c.1213del on transcript NM_001048174.2 (MANE Select); coding-DNA position 1213, one base deleted (G; older notation c.1213delG).
Protein change: p.Ala405fs; shifts the reading frame from alanine 405.
Molecular consequence: frameshift variant. On other transcripts: non-coding transcript variant (2).
Genome position (GRCh38, 1-based): chr1:45,331,446, C deleted on the plus strand (G on the coding strand, the reverse complement: MUTYH is on the minus strand). VCF-style (leftmost placement, unchanged base first): chr1-45331445-GC-G. GRCh37 (hg19) VCF-style: chr1-45797117-GC-G.
Other names: c.1213del, p.Ala405fs (NM_001048171.2, NM_001048173.2, NM_001293195.2); c.1216del, p.Ala406fs (NM_001048172.2); c.1297del, p.Ala433fs (NM_001128425.2); c.1258del, p.Ala420fs (NM_001293190.2); c.1246del, p.Ala416fs (NM_001293191.2); c.937del, p.Ala313fs (NM_001293192.2, NM_001293196.2); c.868del, p.Ala290fs (NM_001350650.2, NM_001350651.2); c.1288del, p.Ala430fs (NM_012222.3); and 1 more; short protein forms A405fs, A430fs, A416fs, A290fs, A313fs, A406fs, A420fs, A433fs.
Identifiers: ClinVar variation 485896 (VCV000485896.11), dbSNP rs1553125622, ClinGen allele CA658656918.